The following is an entry in ClinVar:

ClinVar aggregate classification (germline): Pathogenic (1 of 4 stars; one submission).

Conditions:
Severe intellectual disability-progressive spastic diplegia syndrome (NEDSDV). Also called: NEURODEVELOPMENTAL DISORDER WITH SPASTIC DIPLEGIA AND VISUAL DEFECTS; CTNNB1 Neurodevelopmental Disorder. Identifiers: Orphanet 404473, MedGen C3554449, MONDO:0014035, OMIM 615075.

Submission:

Cytogenetics and Molecular Genetics Section, Pathology Unit, BARC Hospital, Bhabha Atomic Research Centre
Classification: Pathogenic for Severe intellectual disability-progressive spastic diplegia syndrome. Last evaluated: 2020-09-23. Review status: criteria provided, single submitter. Criteria: ACMG Guidelines, 2015. Collection method: clinical testing. Allele origin: de novo. Inheritance: Autosomal dominant inheritance. Affected: yes. Observed: 1 heterozygote.
Comment: Loss of function mutations in CTNNB1 have been reported in 37 individuals with intellectual disability, significant motor delay, severe speech impairment, early-onset truncal hypotonia with progressive distal hypertonia/spasticity, microcephaly, behavioural anomalies with facial dysmorphism. The gene provides instructions for making a protein called beta-catenin. This protein is present in many types of cells and tissues, where it is primarily found at junctions that connect neighboring cells. It also plays an important role in cell adhesion and in communication between cells.It is an essential part of the Wnt signaling.

Literature cited by the submitters: PubMed 27915094.

NM_001904.4(CTNNB1):c.1924G>T (p.Glu642Ter)

Gene: CTNNB1 (catenin beta 1; plus strand). Cytogenetic location: 3p22.1.
Variant type: single nucleotide variant.
Coding change: c.1924G>T on transcript NM_001904.4 (MANE Select); coding-DNA position 1924, G replaced by T.
Protein change: p.Glu642Ter; replaces glutamic acid 642 with a stop codon.
Molecular consequence: nonsense.
Genome position (GRCh38, 1-based): chr3:41,236,469, G>T. VCF-style: chr3-41236469-G-T. GRCh37 (hg19) VCF-style: chr3-41277960-G-T.
Other names: c.1924G>T, p.Glu642Ter (NM_001098209.2, NM_001098210.2); c.1903G>T, p.Glu635Ter (NM_001330729.2); short protein forms E635*, E642*.
Identifiers: ClinVar variation 1315504 (VCV001315504.4), dbSNP rs2078436466, ClinGen allele CA352236346.